The following is an entry in ClinVar:

NM_018100.4(EFHC1):c.1443C>G (p.Asn481Lys)

Gene: EFHC1 (EF-hand domain containing 1; plus strand). Cytogenetic location: 6p12.2.
Variant type: single nucleotide variant.
Coding change: c.1443C>G on transcript NM_018100.4 (MANE Select); coding-DNA position 1443, C replaced by G.
Protein change: p.Asn481Lys; replaces asparagine 481 with lysine.
Molecular consequence: missense variant. On other transcripts: non-coding transcript variant (1).
Genome position (GRCh38, 1-based): chr6:52,479,201, C>G. VCF-style: chr6-52479201-C-G. GRCh37 (hg19) VCF-style: chr6-52343999-C-G.
Other names: c.1386C>G, p.Asn462Lys (NM_001172420.2); short protein forms N462K, N481K.
Identifiers: ClinVar variation 850536 (VCV000850536.13), dbSNP rs186911667, ClinGen allele CA3856086.

ClinVar aggregate classification (germline): Uncertain significance. Review status: criteria provided, multiple submitters, no conflicts (2 of 4 stars). 3 submissions from 3 submitters: Uncertain significance (3). Last evaluated 2024-05-24.

Conditions:
Absence seizure. Also called: Absence epilepsy. Identifiers: Orphanet 1941, MedGen C0014553.
Myoclonic epilepsy, juvenile, susceptibility to, 1. Also called: Myoclonic Epilepsy, Juvenile, 1; EJM1. Identifiers: MedGen C1850778, MONDO:0020752, OMIM 254770.

Allele frequency attached by ClinVar (database versions not stated): gnomAD 0.00001; ExAC 0.00002; TOPMed 0.00002; 1000 Genomes Project 30x 0.00016; 1000 Genomes Project 0.00020.

Submissions (3):

Ambry Genetics
Classification: Uncertain significance. Last evaluated: 2024-05-24. Review status: criteria provided, single submitter. Criteria: Ambry Variant Classification Scheme 2023. Collection method: clinical testing. Allele origin: germline.

Fulgent Genetics
Classification: Uncertain significance for Myoclonic epilepsy, juvenile, susceptibility to, 1; Epilepsy, juvenile absence, susceptibility to, 1. Last evaluated: 2021-10-25. Review status: criteria provided, single submitter. Criteria: ACMG Guidelines, 2015. Collection method: clinical testing. Allele origin: unknown.

Labcorp Genetics (formerly Invitae), Labcorp
Classification: Uncertain significance for Myoclonic epilepsy, juvenile, susceptibility to, 1; Absence seizure. Last evaluated: 2019-02-18. Review status: criteria provided, single submitter. Criteria: Invitae Variant Classification Sherloc (09022015). Collection method: clinical testing. Allele origin: germline.
Comment: In summary, the available evidence is currently insufficient to determine the role of this variant in disease. Therefore, it has been classified as a Variant of Uncertain Significance. Algorithms developed to predict the effect of missense changes on protein structure and function are either unavailable or do not agree on the potential impact of this missense change (SIFT: "Deleterious"; PolyPhen-2: "Benign"; Align-GVGD: "Class C35"). This variant has not been reported in the literature in individuals with EFHC1-related conditions. This variant is present in population databases (rs186911667, ExAC 0.003%). This sequence change replaces asparagine with lysine at codon 481 of the EFHC1 protein (p.Asn481Lys). The asparagine residue is highly conserved and there is a moderate physicochemical difference between asparagine and lysine.